The following is an entry in ClinVar:

ClinVar aggregate classification (germline): Conflicting classifications of pathogenicity. Review status: criteria provided, conflicting classifications (1 of 4 stars). 3 submissions from 3 submitters: Likely pathogenic (1); Uncertain significance (2). Last evaluated 2026-03-26.

Conditions:
Cone-rod dystrophy 3 (CORD3). Identifiers: Orphanet 1872, MedGen C1858806, MONDO:0011395, OMIM 604116.
Severe early-childhood-onset retinal dystrophy (STGD1). Also called: Stargardt macular dystrophy; Juvenile onset macular degeneration; Stargardt disease 1; MACULAR DYSTROPHY WITH FLECKS, TYPE 1; STGD. Identifiers: Orphanet 364055, Orphanet 827, MedGen C1855465, MeSH D000080362, MONDO:0009549, OMIM 248200.

Allele frequency attached by ClinVar (database versions not stated): TOPMed 0.00001.

Submissions (3):

Dasa
Classification: Uncertain significance for Cone-rod dystrophy 3. Last evaluated: 2026-03-26. Review status: criteria provided, single submitter. Criteria: DASA Assertion Criteria. Collection method: clinical testing. Allele origin: germline.
Comment: NM_000350.3(ABCA4):c.3698T>C (p.Leu1233Pro) is a missense variant that results in the substitution of leucine with proline. This variant is absent from population databases. Computational prediction algorithms are consistent with a deleterious effect. The currently available literature and clinical evidence are not sufficient to establish a definitive association between this variant and the reported condition. Therefore, this variant is classified as a variant of uncertain significance.

Labcorp Genetics (formerly Invitae), Labcorp
Classification: Likely pathogenic. Last evaluated: 2024-11-23. Review status: criteria provided, single submitter. Criteria: Invitae Variant Classification Sherloc (09022015). Collection method: clinical testing. Allele origin: germline.
Comment: This sequence change replaces leucine, which is neutral and non-polar, with proline, which is neutral and non-polar, at codon 1233 of the ABCA4 protein (p.Leu1233Pro). This variant is not present in population databases (gnomAD no frequency). This missense change has been observed in individual(s) with Stargardt disease (internal data). ClinVar contains an entry for this variant (Variation ID: 801513). Invitae Evidence Modeling of protein sequence and biophysical properties (such as structural, functional, and spatial information, amino acid conservation, physicochemical variation, residue mobility, and thermodynamic stability) indicates that this missense variant is expected to disrupt ABCA4 protein function with a positive predictive value of 95%. In summary, the currently available evidence indicates that the variant is pathogenic, but additional data are needed to prove that conclusively. Therefore, this variant has been classified as Likely Pathogenic.

Mendelics
Classification: Uncertain significance for Severe early-childhood-onset retinal dystrophy. Last evaluated: 2019-05-28. Review status: criteria provided, single submitter. Criteria: Mendelics Assertion Criteria 2017. Collection method: clinical testing. Allele origin: unknown.

NM_000350.3(ABCA4):c.3698T>C (p.Leu1233Pro)

Genes: ABCA4 (ATP binding cassette subfamily A member 4; minus strand), LOC126805794 (BRD4-independent group 4 enhancer GRCh37_chr1:94502188-94503387; plus strand). Cytogenetic location: 1p22.1.
Variant type: single nucleotide variant.
Coding change: c.3698T>C on transcript NM_000350.3 (MANE Select); coding-DNA position 3698, T replaced by C.
Protein change: p.Leu1233Pro; replaces leucine 1233 with proline.
Molecular consequence: missense variant.
Genome position (GRCh38, 1-based): chr1:94,037,260, A>G on the plus strand (T>C on the coding strand, the complement: ABCA4 is on the minus strand). VCF-style: chr1-94037260-A-G. GRCh37 (hg19) VCF-style: chr1-94502816-A-G.
Other names: c.3476T>C, p.Leu1159Pro (NM_001425324.1); short protein forms L1233P, L1159P.
Identifiers: ClinVar variation 801513 (VCV000801513.9), dbSNP rs1366653130, ClinGen allele CA341289365.